The following is an entry in ClinVar:

ClinVar aggregate classification (germline): Uncertain significance. Review status: criteria provided, multiple submitters, no conflicts (2 of 4 stars). 3 submissions from 3 submitters: Uncertain significance (3). Last evaluated 2023-04-27.

Conditions:
Progressive myoclonic epilepsy. Also called: Familial progressive myoclonic epilepsy; Myoclonus epilepsy; Progressive myoclonus epilepsy; Myoclonic Epilepsies, Progressive. Identifiers: Orphanet 308, Orphanet 98261, MedGen C0751778, MONDO:0020074.
Inborn genetic diseases. Identifiers: MedGen C0950123, MeSH D030342.

Allele frequency attached by ClinVar (database versions not stated): TOPMed below 0.00001; gnomAD 0.00001; ExAC 0.00002.
gnomAD v4.1: 13 of 1,570,074 alleles (0.00083%); highest among the groups gnomAD compares: Non-Finnish European, 0.0011%; no homozygotes.

Submissions (3):

Ambry Genetics
Classification: Uncertain significance for Inborn genetic diseases. Last evaluated: 2023-04-27. Review status: criteria provided, single submitter. Criteria: Ambry Variant Classification Scheme 2023. Collection method: clinical testing. Allele origin: germline.

Labcorp Genetics (formerly Invitae), Labcorp
Classification: Uncertain significance for Progressive myoclonic epilepsy. Last evaluated: 2021-09-24. Review status: criteria provided, single submitter. Criteria: Invitae Variant Classification Sherloc (09022015). Collection method: clinical testing. Allele origin: germline.
Comment: This sequence change replaces methionine with valine at codon 19 of the GOSR2 protein (p.Met19Val). The methionine residue is highly conserved and there is a small physicochemical difference between methionine and valine. This variant is present in population databases (rs770329469, ExAC 0.003%). This variant has not been reported in the literature in individuals with GOSR2-related conditions. ClinVar contains an entry for this variant (Variation ID: 502256). Algorithms developed to predict the effect of missense changes on protein structure and function (SIFT, PolyPhen-2, Align-GVGD) all suggest that this variant is likely to be tolerated, but these predictions have not been confirmed by published functional studies and their clinical significance is uncertain. In summary, the available evidence is currently insufficient to determine the role of this variant in disease. Therefore, it has been classified as a Variant of Uncertain Significance.

Eurofins Ntd Llc (ga)
Classification: Uncertain significance. Last evaluated: 2017-06-09. Review status: criteria provided, single submitter. Criteria: EGL Classification Definitions 2015. Collection method: clinical testing. Allele origin: germline. Observed: 1 variant allele, 1 heterozygote.

NM_004287.5(GOSR2):c.55A>G (p.Met19Val)

Genes: GOSR2 (golgi SNAP receptor complex member 2; plus strand), LRRC37A2 (leucine rich repeat containing 37 member A2). Cytogenetic location: 17q21.32.
Variant type: single nucleotide variant.
Coding change: c.55A>G on transcript NM_004287.5 (MANE Select); coding-DNA position 55, A replaced by G.
Protein change: p.Met19Val; replaces methionine 19 with valine.
Molecular consequence: missense variant. On other transcripts: initiator codon variant (2), non-coding transcript variant (3).
Genome position (GRCh38, 1-based): chr17:46,929,545, A>G. VCF-style: chr17-46929545-A-G. GRCh37 (hg19) VCF-style: chr17-45006911-A-G.
Other names: c.55A>G, p.Met19Val (NM_001012511.3, NM_001321133.2, NM_001330252.2 and 4 more transcripts); c.1A>G, p.Met1Val (NM_001321134.2, NM_001363851.2); c.55A>G (NM_004287.3); short protein forms M19V, M1V.
Identifiers: ClinVar variation 502256 (VCV000502256.13), dbSNP rs770329469, ClinGen allele CA8621124.